The following is an entry in ClinVar:

ClinVar aggregate classification (germline): Likely benign (1 of 4 stars; one submission).

Conditions:
KCNQ1-related disorder. Also called: KCNQ1-related disorders; KCNQ1-related condition. Identifiers: MedGen CN239322.

gnomAD v4.1: 48 of 398,602 alleles (0.012%); highest among the groups gnomAD compares: South Asian, 0.43%; no homozygotes.

Submission:

PreventionGenetics, part of Exact Sciences
Classification: Likely benign for KCNQ1-related condition. Last evaluated: 2025-04-04. Review status: criteria provided, single submitter. Criteria: ACMG Guidelines, 2015. Collection method: clinical testing. Allele origin: germline.
Comment: This variant is classified as likely benign based on ACMG/AMP sequence variant interpretation guidelines (Richards et al. 2015 PMID: 25741868, with internal and published modifications).

NM_000218.3(KCNQ1):c.1514+13073G>A

Genes: KCNQ1 (potassium voltage-gated channel subfamily Q member 1; plus strand), KCNQ1OT1 (KCNQ1 opposite strand/antisense transcript 1; minus strand). Cytogenetic location: 11p15.5.
Variant type: single nucleotide variant.
Coding change: c.1514+13073G>A on transcript NM_000218.3 (MANE Select); 13073 bases into the intron after coding-DNA position 1514, G replaced by A.
Molecular consequence: intron variant. On other transcripts: non-coding transcript variant (1).
Genome position (GRCh38, 1-based): chr11:2,675,154, G>A. VCF-style: chr11-2675154-G-A. GRCh37 (hg19) VCF-style: chr11-2696384-G-A.
Other names: c.1244+13073G>A (NM_001406837.1); c.1418+13073G>A (NM_001406836.1); c.974+13073G>A (NM_001406838.1); c.1133+13073G>A (NM_181798.2).
Identifiers: ClinVar variation 4987832 (VCV004987832.1).